The following is an entry in ClinVar:

NM_182920.2(ADAMTS9):c.792G>A (p.Glu264=)

Gene: ADAMTS9 (ADAM metallopeptidase with thrombospondin type 1 motif 9; minus strand). Cytogenetic location: 3p14.1.
Variant type: single nucleotide variant.
Coding change: c.792G>A on transcript NM_182920.2 (MANE Select); coding-DNA position 792, G replaced by A.
Protein change: p.Glu264=; no amino-acid change (glutamic acid 264 retained).
Molecular consequence: synonymous variant.
Genome position (GRCh38, 1-based): chr3:64,658,679, C>T on the plus strand (G>A on the coding strand, the complement: ADAMTS9 is on the minus strand). VCF-style: chr3-64658679-C-T. GRCh37 (hg19) VCF-style: chr3-64644355-C-T.
Other names: c.792G>A, p.Glu264= (NM_001318781.2).
Identifiers: ClinVar variation 1251343 (VCV001251343.13), dbSNP rs73832368, ClinGen allele CA2481768.

ClinVar aggregate classification (germline): Benign. Review status: criteria provided, multiple submitters, no conflicts (2 of 4 stars). 4 submissions from 4 submitters: Benign (3). 1 of the submissions does not count toward it. Last evaluated 2026-01-25.

Conditions:
ADAMTS9-related disorder. Also called: ADAMTS9-related condition.

Allele frequency attached by ClinVar (database versions not stated): ExAC 0.01084; gnomAD 0.03417 and 0.03674; 1000 Genomes Project 0.03514; 1000 Genomes Project 30x 0.03841; TOPMed 0.03882; ESP Exome Variant Server 0.03914.
gnomAD v4.1: 10,820 of 1,614,010 alleles (0.67%); highest among the groups gnomAD compares: African/African-American, 12%; 562 homozygotes.

Submissions (4):

Labcorp Genetics (formerly Invitae), Labcorp
Classification: Benign. Last evaluated: 2026-01-25. Review status: criteria provided, single submitter. Criteria: Invitae Variant Classification Sherloc (09022015). Collection method: clinical testing. Allele origin: germline.

GeneDx
Classification: Benign. Last evaluated: 2021-05-04. Review status: criteria provided, single submitter. Criteria: GeneDx Variant Classification Process June 2021. Collection method: clinical testing. Allele origin: germline. Affected: yes.

Breakthrough Genomics
Classification: Benign. Review status: criteria provided, single submitter. Criteria: ACMG Guidelines, 2015. Collection method: not provided. Allele origin: germline. Inheritance: Unknown mechanism. Affected: yes.

PreventionGenetics, part of Exact Sciences
Classification: Benign for ADAMTS9-related condition. Last evaluated: 2019-05-22. Review status: no assertion criteria provided. Collection method: clinical testing. Allele origin: germline. Not counted in ClinVar's aggregate classification.
Comment: This variant is classified as benign based on ACMG/AMP sequence variant interpretation guidelines (Richards et al. 2015 PMID: 25741868, with internal and published modifications).